The following is an entry in ClinVar:

ClinVar aggregate classification (germline): Uncertain significance (1 of 4 stars; one submission).

Conditions:
Hypokalemic periodic paralysis, type 1. Also called: HypoPP; Hypokalemic Periodic Paralysis Type 1 (AD). Identifiers: Orphanet 681, MedGen C3714580, MONDO:0042979, OMIM 170400.
Malignant hyperthermia, susceptibility to, 5 (MHS5). Also called: CACNA1S-Related Malignant Hyperthermia Susceptibility. Identifiers: Orphanet 423, MedGen C1866077, MONDO:0011163, OMIM 601887.

Allele frequency attached by ClinVar (database versions not stated): gnomAD exomes below 0.00001; TOPMed below 0.00001.

Submission:

Labcorp Genetics (formerly Invitae), Labcorp
Classification: Uncertain significance for Hypokalemic periodic paralysis, type 1; Malignant hyperthermia, susceptibility to, 5. Last evaluated: 2022-11-16. Review status: criteria provided, single submitter. Criteria: Invitae Variant Classification Sherloc (09022015). Collection method: clinical testing. Allele origin: germline.
Comment: In summary, the available evidence is currently insufficient to determine the role of this variant in disease. Therefore, it has been classified as a Variant of Uncertain Significance. Advanced modeling of protein sequence and biophysical properties (such as structural, functional, and spatial information, amino acid conservation, physicochemical variation, residue mobility, and thermodynamic stability) performed at Invitae indicates that this missense variant is not expected to disrupt CACNA1S protein function. This variant has not been reported in the literature in individuals affected with CACNA1S-related conditions. This variant is not present in population databases (gnomAD no frequency). This sequence change replaces isoleucine, which is neutral and non-polar, with valine, which is neutral and non-polar, at codon 1552 of the CACNA1S protein (p.Ile1552Val).

NM_000069.3(CACNA1S):c.4654A>G (p.Ile1552Val)

Gene: CACNA1S (calcium voltage-gated channel subunit alpha1 S; minus strand). Cytogenetic location: 1q32.1.
Variant type: single nucleotide variant.
Coding change: c.4654A>G on transcript NM_000069.3 (MANE Select); coding-DNA position 4654, A replaced by G.
Protein change: p.Ile1552Val; replaces isoleucine 1552 with valine.
Molecular consequence: missense variant.
Genome position (GRCh38, 1-based): chr1:201,047,129, T>C on the plus strand (A>G on the coding strand, the complement: CACNA1S is on the minus strand). VCF-style: chr1-201047129-T-C. GRCh37 (hg19) VCF-style: chr1-201016257-T-C.
Other names: short protein forms I1552V.
Identifiers: ClinVar variation 1720310 (VCV001720310.4), dbSNP rs1660496802, ClinGen allele CA344141637.